The following is an entry in ClinVar:

ClinVar aggregate classification (germline): Pathogenic (1 of 4 stars; one submission).

Conditions:
Danon disease. Also called: Glycogen Storage Disease Type IIb; ANTOPOL DISEASE; PSEUDOGLYCOGENOSIS II; GSD IIb; LYSOSOMAL GLYCOGEN STORAGE DISEASE WITHOUT ACID MALTASE DEFICIENCY. Identifiers: Orphanet 34587, MedGen C0878677, MONDO:0010281, OMIM 300257.

Submission:

Labcorp Genetics (formerly Invitae), Labcorp
Classification: Pathogenic for Danon disease. Last evaluated: 2023-12-02. Review status: criteria provided, single submitter. Criteria: Invitae Variant Classification Sherloc (09022015). Collection method: clinical testing. Allele origin: germline.
Comment: This sequence change creates a premature translational stop signal (p.Pro218Glnfs*24) in the LAMP2 gene. It is expected to result in an absent or disrupted protein product. Loss-of-function variants in LAMP2 are known to be pathogenic (PMID: 21415759). This variant is not present in population databases (gnomAD no frequency). This variant has not been reported in the literature in individuals affected with LAMP2-related conditions. For these reasons, this variant has been classified as Pathogenic.

Literature cited by the submitters: PubMed 21415759.

NM_002294.3(LAMP2):c.653del (p.Pro218fs)

Gene: LAMP2 (lysosome associated membrane protein 2; minus strand). Cytogenetic location: Xq24.
Variant type: Deletion.
Coding change: c.653del on transcript NM_002294.3 (MANE Select); coding-DNA position 653, one base deleted (C; older notation c.653delC).
Protein change: p.Pro218fs; shifts the reading frame from proline 218.
Molecular consequence: frameshift variant.
Genome position (GRCh38, 1-based): chrX:120,447,929, G deleted on the plus strand (C on the coding strand, the reverse complement: LAMP2 is on the minus strand); the first of 2 consecutive G bases (chrX:120,447,929-120,447,930); deleting either gives the same sequence. VCF-style (leftmost placement, unchanged base first): chrX-120447928-TG-T. GRCh37 (hg19) VCF-style: chrX-119581783-TG-T.
Other names: c.653del, p.Pro218fs (NM_001122606.1, NM_013995.2); short protein forms P218fs.
Identifiers: ClinVar variation 2699819 (VCV002699819.3), dbSNP rs2520884260, ClinGen allele CA2697544736.
Genomic context (GRCh38, chrX:120,447,928, plus strand): 5'-CCCCATGGTAGCCAGCAGACAAGTATCATTGCCATTATTAACTGAATAGGTTCCAGCTTC[TG>T]GTTTTTCCTTTGGAGTAGGTGTTGTAGTAGGAGATGGCACAGTGGTGTGTATGGTGGGTG-3'